The following is an entry in ClinVar:

NM_000612.6(IGF2):c.460C>T (p.Arg154Cys)

Genes: IGF2 (insulin like growth factor 2; minus strand), INS-IGF2 (INS-IGF2 readthrough; minus strand). Cytogenetic location: 11p15.5.
Variant type: single nucleotide variant.
Coding change: c.460C>T on transcript NM_000612.6 (MANE Select); coding-DNA position 460, C replaced by T.
Protein change: p.Arg154Cys; replaces arginine 154 with cysteine.
Molecular consequence: missense variant. On other transcripts: non-coding transcript variant (1).
Genome position (GRCh38, 1-based): chr11:2,133,070, G>A on the plus strand (C>T on the coding strand, the complement: IGF2 is on the minus strand). VCF-style: chr11-2133070-G-A. GRCh37 (hg19) VCF-style: chr11-2154300-G-A.
Other names: c.628C>T (NM_001127598.1); c.460C>T, p.Arg154Cys (NM_001007139.6, NM_001291861.3, NM_001291862.3); c.628C>T, p.Arg210Cys (NM_001127598.3); short protein forms R210C, R154C.
Identifiers: ClinVar variation 2956557 (VCV002956557.4), dbSNP rs758849172, ClinGen allele CA5817604.
Genomic context (GRCh38, chr11:2,133,070, plus strand): 5'-CTGGGGGGGCGCCCCCGTGGGCGGGGTCTTGGGTGGGTAGAGCAATCAGGGGACGGTGAC[G>A]TTTGGCCTCCCTGAACGCCTCGAGCTCCTTGGCGAGCACGTGACCCCGGCGGGCACGCAG-3'
Protein context (NP_000603.1, residues 144-164): KELEAFREAK[Arg154Cys]HRPLIALPTQ

ClinVar aggregate classification (germline): Uncertain significance. Review status: criteria provided, multiple submitters, no conflicts (2 of 4 stars). 2 submissions from 2 submitters: Uncertain significance (2). Last evaluated 2025-03-31.

Conditions:
Inborn genetic diseases. Identifiers: MedGen C0950123, MeSH D030342.

Allele frequency attached by ClinVar (database versions not stated): gnomAD 0.00003; TOPMed 0.00003; ExAC 0.00002.

Submissions (2):

Labcorp Genetics (formerly Invitae), Labcorp
Classification: Uncertain significance. Last evaluated: 2025-03-31. Review status: criteria provided, single submitter. Criteria: Invitae Variant Classification Sherloc (09022015). Collection method: clinical testing. Allele origin: germline.
Comment: This sequence change replaces arginine, which is basic and polar, with cysteine, which is neutral and slightly polar, at codon 154 of the IGF2 protein (p.Arg154Cys). This variant is present in population databases (rs758849172, gnomAD 0.006%). This variant has not been reported in the literature in individuals affected with IGF2-related conditions. ClinVar contains an entry for this variant (Variation ID: 2956557). An algorithm developed to predict the effect of missense changes on protein structure and function (PolyPhen-2) suggests that this variant is likely to be disruptive. In summary, the available evidence is currently insufficient to determine the role of this variant in disease. Therefore, it has been classified as a Variant of Uncertain Significance.

Ambry Genetics
Classification: Uncertain significance for Inborn genetic diseases. Last evaluated: 2025-03-20. Review status: criteria provided, single submitter. Criteria: Ambry Variant Classification Scheme 2023. Collection method: clinical testing. Allele origin: germline.